The following is an entry in ClinVar:

NR_003051.4(RMRP):n.134C>G

Gene: RMRP (RNA component of mitochondrial RNA processing endoribonuclease; minus strand). Cytogenetic location: 9p13.3.
Variant type: single nucleotide variant.
Molecular consequence: non-coding transcript variant (on NR_003051.4).
Genome position: GRCh38 VCF-style: chr9-35657886-G-C. GRCh37 (hg19) VCF-style: chr9-35657883-G-C.
Identifiers: ClinVar variation 4735791 (VCV004735791.1).
Genomic context (GRCh38, chr9:35,657,886, plus strand): 5'-GGATGACGCCCCCGCGCCACGCCGCTCAGCGGGATACGCTTCTTGGCGGACTTTGGAGTG[G>C]GAAGCGGGGAATGTCTACGTGCGTATGCACGTGGCACTCTCTGCCCGAGGTCCGGGGACT-3'

ClinVar aggregate classification (germline): Uncertain significance (1 of 4 stars; one submission).

Conditions:
Anauxetic dysplasia. Identifiers: Orphanet 93347, MedGen C1846796, MONDO:0011773.

Submission:

Labcorp Genetics (formerly Invitae), Labcorp
Classification: Uncertain significance for Anauxetic dysplasia. Last evaluated: 2026-01-20. Review status: criteria provided, single submitter. Criteria: Invitae Variant Classification Sherloc (09022015). Collection method: clinical testing. Allele origin: germline.
Comment: This variant occurs in the RMRP gene, which encodes an RNA molecule that does not result in a protein product. This variant is not present in population databases (gnomAD no frequency). This variant has not been reported in the literature in individuals affected with RMRP-related conditions. Experimental studies and prediction algorithms are not available or were not evaluated, and the functional significance of this variant is currently unknown. In summary, the available evidence is currently insufficient to determine the role of this variant in disease. Therefore, it has been classified as a Variant of Uncertain Significance.